The following is an entry in ClinVar:

ClinVar aggregate classification (germline): Likely pathogenic (1 of 4 stars; one submission).

Submission:

GeneDx
Classification: Likely pathogenic. Last evaluated: 2021-04-22. Review status: criteria provided, single submitter. Criteria: GeneDx Variant Classification Process June 2021. Collection method: clinical testing. Allele origin: germline. Affected: yes.
Comment: Canonical splice site variant in a gene for which loss-of-function is a known mechanism of disease; Not observed in large population cohorts (Lek et al., 2016); Has not been previously published as pathogenic or benign to our knowledge

NM_004415.4(DSP):c.1903+1G>C

Gene: DSP (desmoplakin; plus strand). Cytogenetic location: 6p24.3.
Variant type: single nucleotide variant.
Coding change: c.1903+1G>C on transcript NM_004415.4 (MANE Select); the canonical splice donor site of the intron after coding-DNA position 1903, G replaced by C.
Molecular consequence: splice donor variant.
Genome position (GRCh38, 1-based): chr6:7,571,585, G>C. VCF-style: chr6-7571585-G-C. GRCh37 (hg19) VCF-style: chr6-7571818-G-C.
Other names: c.1903+1G>C (NM_001319034.2, NM_001008844.3).
Identifiers: ClinVar variation 489297 (VCV000489297.3), dbSNP rs1554107107, ClinGen allele CA362679869.